The following is an entry in ClinVar:

ClinVar aggregate classification (germline): Pathogenic. Review status: criteria provided, single submitter (1 of 4 stars). 2 submissions from 2 submitters: Pathogenic (1). 1 of the submissions does not count toward it. Last evaluated 2024-10-04.

Conditions:
Tuberous sclerosis 2 (TSC2). Identifiers: Orphanet 805, MedGen C1860707, MONDO:0013199, OMIM 613254.
Tuberous sclerosis syndrome (TSC). Also called: Tuberous Sclerosis Complex; Tuberous sclerosis. Identifiers: Orphanet 805, MedGen C0041341, MONDO:0001734.

Submissions (2):

Labcorp Genetics (formerly Invitae), Labcorp
Classification: Pathogenic for Tuberous sclerosis 2. Last evaluated: 2024-10-04. Review status: criteria provided, single submitter. Criteria: Invitae Variant Classification Sherloc (09022015). Collection method: clinical testing. Allele origin: germline.
Comment: This sequence change creates a premature translational stop signal (p.Tyr790*) in the TSC2 gene. It is expected to result in an absent or disrupted protein product. Loss-of-function variants in TSC2 are known to be pathogenic (PMID: 10205261, 17304050). This variant is not present in population databases (gnomAD no frequency). This premature translational stop signal has been observed in individual(s) with tuberous sclerosis complex (PMID: 10205261). ClinVar contains an entry for this variant (Variation ID: 64995). For these reasons, this variant has been classified as Pathogenic.

Tuberous sclerosis database (TSC2)
No classification provided. Condition: TSC. Review status: no classification provided. Criteria: Tuberous Sclerosis Database Assertion Criteria 2015. Collection method: curation. Allele origin: germline. Affected: yes. Not counted in ClinVar's aggregate classification.

Literature cited by the submitters: PubMed 10205261 (cited by Labcorp Genetics (formerly Invitae), Labcorp); PubMed 17304050 (cited by Labcorp Genetics (formerly Invitae), Labcorp).

NM_000548.5(TSC2):c.2370C>A (p.Tyr790Ter)

Gene: TSC2 (TSC complex subunit 2; plus strand). Cytogenetic location: 16p13.3.
Variant type: single nucleotide variant.
Coding change: c.2370C>A on transcript NM_000548.5 (MANE Select); coding-DNA position 2370, C replaced by A.
Protein change: p.Tyr790Ter; replaces tyrosine 790 with a stop codon.
Molecular consequence: nonsense.
Genome position (GRCh38, 1-based): chr16:2,074,214, C>A. VCF-style: chr16-2074214-C-A. GRCh37 (hg19) VCF-style: chr16-2124215-C-A.
Other names: c.2370C>A, p.Tyr790Ter (NM_001077183.3, NM_001114382.3, NM_001363528.2 and 3 more transcripts); c.2259C>A, p.Tyr753Ter (NM_001318827.2); c.2223C>A, p.Tyr741Ter (NM_001318829.2); c.1770C>A, p.Tyr590Ter (NM_001318831.2); c.2403C>A, p.Tyr801Ter (NM_001318832.2); short protein forms Y790*, Y590*, Y741*, Y753*, Y801*.
Identifiers: ClinVar variation 64995 (VCV000064995.4), dbSNP rs45517232, ClinGen allele CA017302.
Genomic context (GRCh38, chr16:2,074,214, plus strand): 5'-CCTCTGCTGCAAGCGGGTGGGGCCTGAGGTGTCCTGTCTCCTGCAGCGCGAGATGGTCTA[C>A]TGCCTGGAGCAGGGCCTCATCCACCGCTGTGCCAGCCAGTGCGTCGTGGCCTTGTCCATC-3'